The following continues an entry in ClinVar:

NM_024675.4(PALB2):c.3323del (p.Tyr1108fs)

Gene: PALB2. ClinVar aggregate classification (germline): Pathogenic/Likely pathogenic. Pathogenic (18); Likely pathogenic (1).

Submissions 9 to 22 of 22:

New York Genome Center
Classification: Pathogenic for Familial cancer of breast. Last evaluated: 2023-06-12. Review status: criteria provided, single submitter. Criteria: NYGC Assertion Criteria 2020. Collection method: clinical testing. Allele origin: germline. Observed: 2 heterozygotes. Clinical features observed: Diabetes mellitus (HP:0000819).
Comment: The c.3323del variant identified in PALB2 has previously been reported in the parent of an individual with Fanconi anemia type N (PMID: 17200671), and in multiple individuals with hereditary breast cancer [PMID: 25099575, 25452441, 32427313, 32885271]. The c.3323del variant has been deposited in ClinVar [ClinVar ID: 126734] as Pathogenic by multiple submitters. This variant is observed in 8 alleles in population databases (~0.002% MAF with 0 homozygote in gnomAD v2.1.1 and v3.1.2, TOPMed Freeze 8), suggesting it is not a common benign variant in the populations represented in those databases. The c.3323del variant, located in exon 12 of this 13-exon gene, is predicted to result in a frameshift variant with premature incorporation of a termination codon (p.Tyr1108SerfsTer16). While this alteration is not anticipated to result in nonsense mediated decay, it is expected to disrupt the last 5% of the PALB2 protein (79 amino acids). This variant disrupts a region of the PALB2 protein in which other variant(s) (p.Tyr1183*) have been determined to be pathogenic [PMID: 17200668, 19609323, 21365267, 22241545, 26315354]. Based on available evidence this c.3323del, p.(Y1108SfsTer16) variant identified in PALB2 is classified as Pathogenic.

Myriad Genetics, Inc.
Classification: Pathogenic for Familial cancer of breast. Last evaluated: 2023-03-31. Review status: criteria provided, single submitter. Criteria: Myriad Autosomal Dominant, Autosomal Recessive and X-Linked Classification Criteria (2023). Collection method: clinical testing. Allele origin: unknown.
Comment: This variant is considered pathogenic. This variant creates a frameshift predicted to result in premature protein truncation.

Quest Diagnostics Nichols Institute San Juan Capistrano
Classification: Pathogenic. Last evaluated: 2023-01-05. Review status: criteria provided, single submitter. Criteria: Quest Diagnostics criteria. Collection method: clinical testing. Allele origin: unknown.
Comment: This frameshift variant alters the translational reading frame of the PALB2 mRNA and causes the premature termination of PALB2 protein synthesis. This variant has not been reported in large, multi-ethnic general populations. In the published literature, the variant has been reported in affected individuals with breast cancer (PMIDs: 25452441 (2015), 26845104 (2016), 32427313 (2020), and 32885271 (2021)). A functional study found that this variant was deficient in homology-directed DNA repair activity (PMID: 31636395 (2020)). Based on the available information, this variant is classified as pathogenic.

Blueprint Genetics
Classification: Pathogenic for PALB2-related disorders. Last evaluated: 2022-07-11. Review status: criteria provided, single submitter. Criteria: ACMG Guidelines, 2015. Collection method: clinical testing. Allele origin: germline. Affected: yes. Observed: 1 variant allele.

GeneDx
Classification: Pathogenic. Last evaluated: 2022-04-20. Review status: criteria provided, single submitter. Criteria: GeneDx Variant Classification Process June 2021. Collection method: clinical testing. Allele origin: germline. Affected: yes.
Comment: Frameshift variant predicted to result in protein truncation in a gene for which loss-of-function is a known mechanism of disease; Not observed in large population cohorts (gnomAD); This variant is associated with the following publications: (PMID: 21165770, 25452441, 28281021, 23341105, 25263539, 26556299, 2985019, 26845104, 25099575, 28152038, 28873162, 33646313, 32885271, 32427313, 31636395, 17200671)

Women's Health and Genetics/Laboratory Corporation of America, LabCorp
Classification: Pathogenic for Hereditary breast ovarian cancer syndrome. Last evaluated: 2022-04-16. Review status: criteria provided, single submitter. Criteria: LabCorp Variant Classification Summary - May 2015. Collection method: clinical testing. Allele origin: germline.
Comment: Variant summary: PALB2 c.3323delA (p.Tyr1108SerfsX16) results in a premature termination codon, predicted to cause a truncation of the encoded protein or absence of the protein due to nonsense mediated decay, which are commonly known mechanisms for disease. Truncations downstream of this position have been classified as pathogenic by our laboratory (eg. p.Tyr1183X). The variant was absent in 251818 control chromosomes. c.3323delA has been reported in the literature in individuals affected with Hereditary Breast and Ovarian Cancer (example, Antoniou_2014, Couch_2016, Crawford_2017, Reid_2007). These data indicate that the variant is likely to be associated with disease. Multiple clinical diagnostic laboratories and the LOVD database have submitted clinical-significance assessments for this variant to ClinVar after 2014 without evidence for independent evaluation. All submitters classified the variant as pathogenic. Based on the evidence outlined above, the variant was classified as pathogenic.

Color Diagnostics, LLC DBA Color Health
Classification: Pathogenic for Hereditary cancer-predisposing syndrome. Last evaluated: 2022-03-22. Review status: criteria provided, single submitter. Criteria: ACMG Guidelines, 2015. Collection method: clinical testing. Allele origin: germline.
Comment: This variant deletes 1 nucleotide in exon 12 of the PALB2 gene, creating a frameshift and premature translation stop signal. This variant is expected to result in an absent or non-functional protein product. This variant has been reported in individuals affected with breast cancer (PMID: 17200671, 25099575, 25452441, 26845104, 28281021). This variant has not been identified in the general population by the Genome Aggregation Database (gnomAD). Loss of PALB2 function is a known mechanism of disease. Based on the available evidence, this variant is classified as Pathogenic.

Fulgent Genetics
Classification: Pathogenic for Familial cancer of breast; Fanconi anemia complementation group N; Pancreatic cancer, susceptibility to, 3. Last evaluated: 2021-08-12. Review status: criteria provided, single submitter. Criteria: ACMG Guidelines, 2015. Collection method: clinical testing. Allele origin: unknown.

Sema4
Classification: Pathogenic for Hereditary cancer-predisposing syndrome. Last evaluated: 2020-08-10. Review status: criteria provided, single submitter. Criteria: Sema4 Curation Guidelines. Collection method: curation. Allele origin: germline.
Comment: The PALB2 c.3323delA (p.Y1108SfsX16) deletion has been reported in heterozygosity in at least 5 individuals with Fanconi anemia type N and breast cancer (PMID: 17200671, 25452441, 25099575). As this variant is not predicted to cause nonsense-mediated decay, the protein product is expected to be truncated. This variant is not reported in the population database Genome Aggregation Database (PMID: 27535533). Based on the current evidence available, this variant is interpreted as pathogenic.

HudsonAlpha Institute for Biotechnology
Classification: Pathogenic for Fanconi anemia complementation group N. Last evaluated: 2018-06-28. Review status: criteria provided, single submitter. Criteria: ACMG Guidelines, 2015. Collection method: research. Allele origin: maternal. Observed: 1 variant allele. Study: CSER-SouthSeq.
Comment: ACMG codes: PVS1, PM2, PM3, PP5

University of Washington Department of Laboratory Medicine, University of Washington
Classification: Pathogenic for Hereditary cancer-predisposing syndrome. Last evaluated: 2015-11-20. Review status: criteria provided, single submitter. Criteria: Shirts et al. (Genet Med 2016). Collection method: clinical testing. Allele origin: germline. Affected: yes. Observed: 1 variant allele.

Leiden Open Variation Database
Classification: Pathogenic. Last evaluated: 2019-05-13. Review status: no assertion criteria provided. Collection method: curation. Allele origin: germline. Affected: yes. Not counted in ClinVar's aggregate classification.
Comment: Curators: Marc Tischkowitz, Arleen D. Auerbach. Submitters to LOVD: Arleen D. Auerbach, LOVD-team, but with Curator vacancy, Marc Tischkowitz.

Counsyl
Classification: Pathogenic for Familial cancer of breast. Last evaluated: 2017-11-08. Review status: no assertion criteria provided. Collection method: clinical testing. Allele origin: unknown. Not counted in ClinVar's aggregate classification.

Department of Pathology and Laboratory Medicine, Sinai Health System
Classification: Pathogenic for Malignant tumor of breast. Review status: no assertion criteria provided. Collection method: clinical testing. Allele origin: unknown. Affected: yes. Study: The Canadian Open Genetics Repository (COGR). Not counted in ClinVar's aggregate classification.
Comment: The PALB2 p.Tyr1108Serfs*16 variant was identified in 5 of 7044 proband chromosomes (frequency: 0.0007) from individuals or families with fanconi anemia and hereditary breast and ovarian cancer (Reid 2007, Couch 2015, Shirts 2016, Antoniou 2014). The variant was identified in dbSNP (rs180177135) as â€šÃ„Ãºwith pathogenic alleleâ€šÃ„Ã¹, ClinVar (classified as pathogenic by Invitae, GeneDx, Ambry Genetics, Counsyl and 4 other submitters) and LOVD 3.0 (observed 5x). The variant was not identified in the following control databases: the Exome Aggregation Consortium (August 8th 2016), or the Genome Aggregation Database (Feb 27, 2017). The c.3323del variant is predicted to cause a frameshift, which alters the protein's amino acid sequence beginning at codon 1108 and leads to a premature stop codon at position 1123. This alteration is then predicted to result in a truncated or absent protein and loss of function. Loss of function variants of the PALB2 gene are an established mechanism of disease in hereditary breast and ovarian cancer and is the type of variant expected to cause the disorder. In summary, based on the above information this variant meets our laboratoryâ€šÃ„Ã´s criteria to be classified as pathogenic.

Literature cited by the submitters: PubMed 17200671 (cited by 9 submitters); PubMed 25452441 (cited by 10 submitters); PubMed 26845104 (cited by 6 submitters); PubMed 23341105 (cited by 3 submitters); PubMed 17200668 (cited by Labcorp Genetics (formerly Invitae), Labcorp); PubMed 19609323 (cited by Labcorp Genetics (formerly Invitae), Labcorp); PubMed 21365267 (cited by Labcorp Genetics (formerly Invitae), Labcorp); PubMed 22241545 (cited by Labcorp Genetics (formerly Invitae), Labcorp); PubMed 26315354 (cited by Labcorp Genetics (formerly Invitae), Labcorp); PubMed 25099575 (cited by 7 submitters); PubMed 28281021 (cited by 3 submitters); PubMed 31636395 (cited by Ambry Genetics and Quest Diagnostics Nichols Institute San Juan Capistrano); PubMed 32427313 (cited by 3 submitters); PubMed 32885271 (cited by 3 submitters); PubMed 21165770 (cited by Quest Diagnostics Nichols Institute San Juan Capistrano); PubMed 19584259 (cited by Counsyl).